The following is an entry in ClinVar:

NM_000128.4(F11):c.*1A>G

Genes: F11 (coagulation factor XI; plus strand), F11-AS1 (F11 antisense RNA 1; minus strand). Cytogenetic location: 4q35.2.
Variant type: single nucleotide variant.
Coding change: c.*1A>G on transcript NM_000128.4 (MANE Select); 1 bases downstream of the stop codon, A replaced by G.
Molecular consequence: 3 prime UTR variant. On other transcripts: non-coding transcript variant (1).
Genome position (GRCh38, 1-based): chr4:186,288,615, A>G. VCF-style: chr4-186288615-A-G. GRCh37 (hg19) VCF-style: chr4-187209769-A-G.
Identifiers: ClinVar variation 901157 (VCV000901157.27), dbSNP rs143899287, ClinGen allele CA3164147.
Genomic context (GRCh38, chr4:186,288,615, plus strand): 5'-GTTTACACCAACGTGGTCGAGTACGTGGACTGGATTCTGGAGAAAACTCAAGCAGTGTGA[A>G]TGGGTTCCCAGGGGCCATTGGAGTCCCTGAAGGACCCAGGATTTGCTGGGAGAGGGTGTT-3'

ClinVar aggregate classification (germline): Benign/Likely benign. Review status: criteria provided, multiple submitters, no conflicts (2 of 4 stars). 5 submissions from 5 submitters: Benign (1); Likely benign (3). 1 of the submissions does not count toward it. Last evaluated 2026-08-01.

Conditions:
F11-related disorder. Also called: F11-related condition.
Hereditary factor XI deficiency disease. Also called: PLASMA THROMBOPLASTIN ANTECEDENT DEFICIENCY; PTA DEFICIENCY; ROSENTHAL SYNDROME; Congenital factor XI deficiency. Identifiers: Orphanet 329, MedGen C0015523, MeSH D005173, MONDO:0012897, OMIM 612416.

Allele frequency attached by ClinVar (database versions not stated): TOPMed 0.00407; ESP Exome Variant Server 0.00408; 1000 Genomes Project 0.00300; 1000 Genomes Project 30x 0.00344; gnomAD 0.00349 and 0.00378.

Submissions (5):

CeGaT Center for Human Genetics Tuebingen
Classification: Likely benign. Last evaluated: 2026-08-01. Review status: criteria provided, single submitter. Criteria: CeGaT Center For Human Genetics Tuebingen Variant Classification Criteria Version 2. Collection method: clinical testing. Allele origin: germline. Affected: yes. Observed: 2 variant alleles.
Comment: F11-AS1: BS1

Blueprint Genetics
Classification: Likely benign. Last evaluated: 2024-11-13. Review status: criteria provided, single submitter. Criteria: ACMG Guidelines, 2015. Collection method: clinical testing. Allele origin: germline.

Illumina Laboratory Services, Illumina
Classification: Benign for Hereditary factor XI deficiency disease. Last evaluated: 2018-01-13. Review status: criteria provided, single submitter. Criteria: ICSL Variant Classification Criteria 13 December 2019. Collection method: clinical testing. Allele origin: germline.
Comment: This variant was observed in the ICSL laboratory as part of a predisposition screen in an ostensibly healthy population. It had not been previously curated by ICSL or reported in the Human Gene Mutation Database (HGMD: prior to June 1st, 2018), and was therefore a candidate for classification through an automated scoring system. Utilizing variant allele frequency, disease prevalence and penetrance estimates, and inheritance mode, an automated score was calculated to assess if this variant is too frequent to cause the disease. Based on the score and internal cut-off values, a variant classified as benign is not then subjected to further curation. The score for this variant resulted in a classification of benign for this disease.

Mayo Clinic Laboratories, Mayo Clinic
Classification: Likely benign. Last evaluated: 2016-08-02. Review status: criteria provided, single submitter. Criteria: ACMG Guidelines, 2015. Collection method: clinical testing. Allele origin: germline. Observed: 1 variant allele.

PreventionGenetics, part of Exact Sciences
Classification: Likely benign for F11-related condition. Last evaluated: 2019-06-14. Review status: no assertion criteria provided. Collection method: clinical testing. Allele origin: germline. Not counted in ClinVar's aggregate classification.
Comment: This variant is classified as likely benign based on ACMG/AMP sequence variant interpretation guidelines (Richards et al. 2015 PMID: 25741868, with internal and published modifications).